The following is an entry in ClinVar:

ClinVar aggregate classification (germline): Uncertain significance (1 of 4 stars; one submission).

Allele frequency attached by ClinVar (database versions not stated): TOPMed below 0.00001; gnomAD 0.00001; gnomAD exomes 0.00002.
gnomAD v4.1: 26 of 1,612,950 alleles (0.0016%); highest among the groups gnomAD compares: Non-Finnish European, 0.0021%; no homozygotes.

Submission:

Women's Health and Genetics/Laboratory Corporation of America, LabCorp
Classification: Uncertain significance. Last evaluated: 2023-08-03. Review status: criteria provided, single submitter. Criteria: LabCorp Variant Classification Summary - May 2015. Collection method: clinical testing. Allele origin: germline.
Comment: Variant summary: JMJD3 (also known as KDM6B) c.1820C>T (p.Pro607Leu) results in a non-conservative amino acid change in the encoded protein sequence. Three of five in-silico tools predict a damaging effect of the variant on protein function. The variant was absent in 248624 control chromosomes. The available data on variant occurrences in the general population are insufficient to allow any conclusion about variant significance. To our knowledge, no occurrence of c.1820C>T in individuals affected with JMJD3-related conditions and no experimental evidence demonstrating its impact on protein function have been reported. No submitters have cited clinical-significance assessments for this variant to ClinVar after 2014. Based on the evidence outlined above, the variant was classified as uncertain significance.

NM_001348716.2(KDM6B):c.1820C>T (p.Pro607Leu)

Gene: KDM6B (lysine demethylase 6B; plus strand). Cytogenetic location: 17p13.1.
Variant type: single nucleotide variant.
Coding change: c.1820C>T on transcript NM_001348716.2 (MANE Select); coding-DNA position 1820, C replaced by T.
Protein change: p.Pro607Leu; replaces proline 607 with leucine.
Molecular consequence: missense variant.
Genome position (GRCh38, 1-based): chr17:7,848,108, C>T. VCF-style: chr17-7848108-C-T. GRCh37 (hg19) VCF-style: chr17-7751426-C-T.
Other names: c.1820C>T, p.Pro607Leu (NM_001080424.2); short protein forms P607L.
Identifiers: ClinVar variation 2581326 (VCV002581326.1), dbSNP rs1402903976, ClinGen allele CA397917478.